The following is an entry in ClinVar:

ClinVar aggregate classification (germline): Benign/Likely benign. Review status: criteria provided, multiple submitters, no conflicts (2 of 4 stars). 5 submissions from 5 submitters: Benign (1); Likely benign (4). Last evaluated 2026-09-01.

Conditions:
THBD-related disorder. Also called: THBD-related condition.

Allele frequency attached by ClinVar (database versions not stated): ExAC 0.00007; gnomAD exomes 0.00010 and 0.00004; 1000 Genomes Project 30x 0.00016; gnomAD 0.00056; TOPMed 0.00060.
gnomAD v4.1: 133 of 1,546,068 alleles (0.0086%); highest among the groups gnomAD compares: African/African-American, 0.17%; no homozygotes.

Submissions (5):

CeGaT Center for Human Genetics Tuebingen
Classification: Likely benign. Last evaluated: 2026-09-01. Review status: criteria provided, single submitter. Criteria: CeGaT Center For Human Genetics Tuebingen Variant Classification Criteria Version 2. Collection method: clinical testing. Allele origin: germline. Affected: yes. Observed: 1 variant allele.
Comment: THBD: BP4, BP7

Labcorp Genetics (formerly Invitae), Labcorp
Classification: Benign. Last evaluated: 2025-08-03. Review status: criteria provided, single submitter. Criteria: Invitae Variant Classification Sherloc (09022015). Collection method: clinical testing. Allele origin: germline.

PreventionGenetics, part of Exact Sciences
Classification: Likely benign for THBD-related condition. Last evaluated: 2025-05-27. Review status: criteria provided, single submitter. Criteria: ACMG Guidelines, 2015. Collection method: clinical testing. Allele origin: germline.
Comment: This variant is classified as likely benign based on ACMG/AMP sequence variant interpretation guidelines (Richards et al. 2015 PMID: 25741868, with internal and published modifications).

Mayo Clinic Laboratories, Mayo Clinic
Classification: Likely benign. Last evaluated: 2025-05-22. Review status: criteria provided, single submitter. Criteria: ACMG Guidelines, 2015. Collection method: clinical testing. Allele origin: germline. Observed: 3 variant alleles.
Comment: BP4, BP7

Blueprint Genetics
Classification: Likely benign. Last evaluated: 2024-06-10. Review status: criteria provided, single submitter. Criteria: ACMG Guidelines, 2015. Collection method: clinical testing. Allele origin: germline.

NM_000361.3(THBD):c.36G>A (p.Leu12=)

Gene: THBD (thrombomodulin; minus strand). Cytogenetic location: 20p11.21.
Variant type: single nucleotide variant.
Coding change: c.36G>A on transcript NM_000361.3 (MANE Select); coding-DNA position 36, G replaced by A.
Protein change: p.Leu12=; no amino-acid change (leucine 12 retained).
Molecular consequence: synonymous variant.
Genome position (GRCh38, 1-based): chr20:23,049,469, C>T on the plus strand (G>A on the coding strand, the complement: THBD is on the minus strand). VCF-style: chr20-23049469-C-T. GRCh37 (hg19) VCF-style: chr20-23030106-C-T.
Other names: p.Leu12=; c.36G>A (NM_000361.2).
Identifiers: ClinVar variation 1166471 (VCV001166471.13), dbSNP rs777008219, ClinGen allele CA9787811.